The following is an entry in ClinVar:

NM_004329.3(BMPR1A):c.675+6T>C

Gene: BMPR1A (bone morphogenetic protein receptor type 1A; plus strand). Cytogenetic location: 10q23.2.
Variant type: single nucleotide variant.
Coding change: c.675+6T>C on transcript NM_004329.3 (MANE Select); 6 bases into the intron after coding-DNA position 675, T replaced by C.
Molecular consequence: intron variant.
Genome position (GRCh38, 1-based): chr10:86,912,390, T>C. VCF-style: chr10-86912390-T-C. GRCh37 (hg19) VCF-style: chr10-88672147-T-C.
Identifiers: ClinVar variation 567922 (VCV000567922.14), dbSNP rs1564722020, ClinGen allele CA891843413.

ClinVar aggregate classification (germline): Uncertain significance. Review status: criteria provided, multiple submitters, no conflicts (2 of 4 stars). 2 submissions from 2 submitters: Uncertain significance (2). Last evaluated 2023-02-15.

Conditions:
Juvenile polyposis syndrome (JPS). Identifiers: Orphanet 2929, MedGen C0345893, MONDO:0017380, OMIM 174900.
Hereditary cancer-predisposing syndrome. Also called: Neoplastic Syndromes, Hereditary; Tumor predisposition; Hereditary Cancer Syndrome; Hereditary neoplastic syndrome. Identifiers: Orphanet 140162, MedGen C0027672, MeSH D009386, MONDO:0015356.

Allele frequency attached by ClinVar (database versions not stated): gnomAD exomes below 0.00001.
gnomAD v4.1: 1 of 1,613,988 alleles (0.000062%); highest among the groups gnomAD compares: Non-Finnish European, 0.000085%; no homozygotes.

Submissions (2):

Labcorp Genetics (formerly Invitae), Labcorp
Classification: Uncertain significance for Juvenile polyposis syndrome. Last evaluated: 2023-02-15. Review status: criteria provided, single submitter. Criteria: Invitae Variant Classification Sherloc (09022015). Collection method: clinical testing. Allele origin: germline.
Comment: In summary, the available evidence is currently insufficient to determine the role of this variant in disease. Therefore, it has been classified as a Variant of Uncertain Significance. Variants that disrupt the consensus splice site are a relatively common cause of aberrant splicing (PMID: 17576681, 9536098). Algorithms developed to predict the effect of sequence changes on RNA splicing suggest that this variant is not likely to affect RNA splicing. ClinVar contains an entry for this variant (Variation ID: 567922). This variant has not been reported in the literature in individuals affected with BMPR1A-related conditions. This variant is not present in population databases (gnomAD no frequency). This sequence change falls in intron 8 of the BMPR1A gene. It does not directly change the encoded amino acid sequence of the BMPR1A protein. It affects a nucleotide within the consensus splice site.

Color Diagnostics, LLC DBA Color Health
Classification: Uncertain significance for Hereditary cancer-predisposing syndrome. Last evaluated: 2019-11-19. Review status: criteria provided, single submitter. Criteria: ACMG Guidelines, 2015. Collection method: clinical testing. Allele origin: germline.
Comment: This variant causes a T>C nucleotide substitution at the +6 position of intron 8 of the BMPR1A gene. To our knowledge, functional studies have not been performed for this variant. This variant has not been reported in individuals affected with hereditary cancer in the literature. This variant has not been identified in the general population by the Genome Aggregation Database (gnomAD). The available evidence is insufficient to determine the role of this variant in disease conclusively. Therefore, this variant is classified as a Variant of Uncertain Significance.

Literature cited by the submitters: PubMed 17576681 (cited by Labcorp Genetics (formerly Invitae), Labcorp); PubMed 9536098 (cited by Labcorp Genetics (formerly Invitae), Labcorp).